The following is an entry in ClinVar:

ClinVar aggregate classification (germline): Conflicting classifications of pathogenicity. Review status: criteria provided, conflicting classifications (1 of 4 stars). 3 submissions from 3 submitters: Uncertain significance (2); Likely benign (1). Last evaluated 2025-02-06.

Conditions:
Charcot-Marie-Tooth disease, type I (CMT1). Also called: Charcot-Marie-Tooth disease type 1; Charcot-Marie-Tooth, Type 1. Identifiers: Orphanet 65753, MedGen C0751036, MONDO:0019011.
Inborn genetic diseases. Identifiers: MedGen C0950123, MeSH D030342.

Submissions (3):

Labcorp Genetics (formerly Invitae), Labcorp
Classification: Likely benign for Charcot-Marie-Tooth disease, type I. Last evaluated: 2025-02-06. Review status: criteria provided, single submitter. Criteria: Invitae Variant Classification Sherloc (09022015). Collection method: clinical testing. Allele origin: germline.

Ambry Genetics
Classification: Uncertain significance for Inborn genetic diseases. Last evaluated: 2021-03-08. Review status: criteria provided, single submitter. Criteria: Ambry Variant Classification Scheme 2023. Collection method: clinical testing. Allele origin: germline.
Comment: The c.585-7_585-5delCTT intronic variant is located 5 nucleotides upstream from coding exon 5 in the MPZ gene. This variant results from a deletion of 3 nucleotides at positions c.585-7 to c.585-5. This nucleotide region is not well conserved in available vertebrate species. In silico splice site analysis predicts that this alteration will not have any significant effect on splicing. Since supporting evidence is limited at this time, the clinical significance of this alteration remains unclear.

Athena Diagnostics
Classification: Uncertain significance. Last evaluated: 2019-01-29. Review status: criteria provided, single submitter. Criteria: Athena Diagnostics Criteria. Collection method: clinical testing. Allele origin: germline.

Literature cited by the submitters: PubMed 25614874 (cited by Athena Diagnostics).

NM_000530.8(MPZ):c.585-7_585-5del

Gene: MPZ (myelin protein zero; minus strand). Cytogenetic location: 1q23.3.
Variant type: Microsatellite.
Coding change: c.585-7_585-5del on transcript NM_000530.8 (MANE Select); 7 bases into the intron before coding-DNA position 585 through 5 bases into the intron before coding-DNA position 585, 3 bases deleted (CTT; older notation c.585-7_585-5delCTT).
Molecular consequence: intron variant.
Genome position (GRCh38, 1-based): chr1:161,306,173-161,306,175, AAG deleted on the plus strand (CTT on the coding strand, the reverse complement: MPZ is on the minus strand); deleting any 3 consecutive bases within chr1:161,306,173-161,306,179 gives the same sequence; the c. name uses the placement nearest the transcript's 3' end. VCF-style (leftmost placement, unchanged base first): chr1-161306172-CAAG-C. GRCh37 (hg19) VCF-style: chr1-161275962-CAAG-C.
Other names: c.585-7_585-5del (NM_001315491.2); c.585-7_585-5delCTT (NM_000530.6).
Identifiers: ClinVar variation 805019 (VCV000805019.7), dbSNP rs770501358, ClinGen allele CA1210106.